The following is an entry in ClinVar:

NM_000138.5(FBN1):c.6068_6069insCCCTT (p.Cys2024fs)

Gene: FBN1 (fibrillin 1; minus strand). Cytogenetic location: 15q21.1.
Variant type: Insertion.
Coding change: c.6068_6069insCCCTT on transcript NM_000138.5 (MANE Select); coding-DNA positions 6068 to 6069, CCCTT inserted.
Protein change: p.Cys2024fs; shifts the reading frame from cysteine 2024.
Molecular consequence: frameshift variant.
Genome position: GRCh38 VCF-style: chr15-48441815-A-AAAGGG. GRCh37 (hg19) VCF-style: chr15-48734012-A-AAAGGG.
Other names: short protein forms C2024fs.
Identifiers: ClinVar variation 1453586 (VCV001453586.6), dbSNP rs2141245482, ClinGen allele CA2573150945.

ClinVar aggregate classification (germline): Pathogenic (1 of 4 stars; one submission).

Conditions:
Marfan syndrome (MFS). Also called: MARFAN SYNDROME, TYPE I; Marfan syndrome type 1; Marfan's syndrome; Marfan syndrome, classic; FBN1-Related Marfan Syndrome. Identifiers: Orphanet 284963, Orphanet 558, MedGen C0024796, MONDO:0007947, OMIM 154700.
Familial thoracic aortic aneurysm and aortic dissection (TAAD). Also called: Thoracic aortic aneurysms and dissections. Identifiers: Orphanet 91387, MedGen C4707243, MONDO:0019625.

Submission:

Labcorp Genetics (formerly Invitae), Labcorp
Classification: Pathogenic for Marfan syndrome; Familial thoracic aortic aneurysm and aortic dissection. Last evaluated: 2021-07-27. Review status: criteria provided, single submitter. Criteria: Invitae Variant Classification Sherloc (09022015). Collection method: clinical testing. Allele origin: germline.
Comment: This sequence change creates a premature translational stop signal (p.Cys2024Profs*37) in the FBN1 gene. It is expected to result in an absent or disrupted protein product. Loss-of-function variants in FBN1 are known to be pathogenic (PMID: 17657824, 19293843). For these reasons, this variant has been classified as Pathogenic. This variant has not been reported in the literature in individuals affected with FBN1-related conditions. This variant is not present in population databases (ExAC no frequency).

Literature cited by the submitters: PubMed 17657824; PubMed 19293843.